The following is an entry in ClinVar:

NM_138694.4(PKHD1):c.11996G>A (p.Trp3999Ter)

Gene: PKHD1 (PKHD1 ciliary IPT domain containing fibrocystin/polyductin; minus strand). Cytogenetic location: 6p12.3.
Variant type: single nucleotide variant.
Coding change: c.11996G>A on transcript NM_138694.4 (MANE Select); coding-DNA position 11996, G replaced by A.
Protein change: p.Trp3999Ter; replaces tryptophan 3999 with a stop codon.
Molecular consequence: nonsense.
Genome position (GRCh38, 1-based): chr6:51,619,310, C>T on the plus strand (G>A on the coding strand, the complement: PKHD1 is on the minus strand). VCF-style: chr6-51619310-C-T. GRCh37 (hg19) VCF-style: chr6-51484108-C-T.
Other names: short protein forms W3999*.
Identifiers: ClinVar variation 4816567 (VCV004816567.1).
Genomic context (GRCh38, chr6:51,619,310, plus strand): 5'-AGCAGCAGCTGATTTTGGCCTGCCAGCTGGTATCTGAGCAACTGCTCTTGGCCCTCCTTC[C>T]AGTTCCCAGTCTCTTGCAGGTACACCTGCTGAGCAGGAGCACCTGGAGCACAGATGTGCC-3'

ClinVar aggregate classification (germline): Likely pathogenic (1 of 4 stars; one submission).

Conditions:
Autosomal recessive polycystic kidney disease (ARPKD). Also called: AR polycystic kidney disease. Identifiers: Orphanet 731, Orphanet 8378, MedGen C0085548, MeSH D017044, MONDO:0009889.

gnomAD v4.1: 5 of 1,614,270 alleles (0.00031%); highest among the groups gnomAD compares: Non-Finnish European, 0.00042%; no homozygotes.

Submission:

Natera, Inc.
Classification: Likely pathogenic for Autosomal recessive polycystic kidney disease. Last evaluated: 2025-02-27. Review status: criteria provided, single submitter. Criteria: Natera Variant Classification Schema (03/2026). Collection method: clinical testing. Allele origin: germline.
Comment: The c.11996G>A variant in PKHD1 is a nonsense variant predicted to introduce a stop codon at amino acid 3999. This variant is expected to result in nonsense mediated decay, truncation, or a dysfunctional protein product. This variant is rare in the general population with a frequency below the threshold expected for the associated phenotype(s). Given the available evidence, this variant is classified as Likely Pathogenic.